The following is an entry in ClinVar:

NC_000010.11:g.(?_121593689)_(121593837_?)del

Gene: FGFR2 (fibroblast growth factor receptor 2; minus strand). Cytogenetic location: 10q26.13.
Variant type: Deletion.
Identifiers: ClinVar variation 644821 (VCV000644821.7).

ClinVar aggregate classification (germline): Uncertain significance (1 of 4 stars; one submission).

Conditions:
FGFR2-related craniosynostosis. Identifiers: MedGen CN231480.

Submission:

Labcorp Genetics (formerly Invitae), Labcorp
Classification: Uncertain significance for FGFR2-related craniosynostosis. Last evaluated: 2019-04-25. Review status: criteria provided, single submitter. Criteria: Invitae Variant Classification Sherloc (09022015). Collection method: clinical testing. Allele origin: germline.
Comment: In summary, the available evidence is currently insufficient to determine the role of this variant in disease. Therefore, it has been classified as a Variant of Uncertain Significance. The current clinical and genetic evidence is not sufficient to establish whether loss-of-function variants in FGFR2 cause disease. This variant has not been reported in the literature in individuals with FGFR2-related conditions. This variant is a gross deletion of the genomic region encompassing exon 2 of the FGFR2 gene, which includes the initiator codon. The 5' end of this event is unknown as it extends beyond the assayed region for this gene and therefore may encompass additional genes. The 3' boundary is likely confined to intron 2 of the FGFR2 gene. This is expected to result in an absent or disrupted protein product.